The following is an entry in ClinVar:

ClinVar aggregate classification (germline): Likely benign (1 of 4 stars; one submission).

Allele frequency attached by ClinVar (database versions not stated): gnomAD 0.00212; ExAC 0.00301; gnomAD exomes 0.00392; 1000 Genomes Project 0.00399.
gnomAD v4.1: 2,275 of 1,443,558 alleles (0.16%); highest among the groups gnomAD compares: Middle Eastern, 0.36%; 9 homozygotes.

Submission:

CeGaT Center for Human Genetics Tuebingen
Classification: Likely benign. Last evaluated: 2022-12-01. Review status: criteria provided, single submitter. Criteria: CeGaT Center For Human Genetics Tuebingen Variant Classification Criteria Version 2. Collection method: clinical testing. Allele origin: germline. Affected: yes. Observed: 1 variant allele.
Comment: RRBP1: BP4, BP7, BS2

NM_001365613.2(RRBP1):c.1140A>G (p.Lys380=)

Gene: RRBP1 (ribosome binding protein 1; minus strand). Cytogenetic location: 20p12.1.
Variant type: single nucleotide variant.
Coding change: c.1140A>G on transcript NM_001365613.2 (MANE Select); coding-DNA position 1140, A replaced by G.
Protein change: p.Lys380=; no amino-acid change (lysine 380 retained).
Molecular consequence: synonymous variant. On other transcripts: intron variant (2).
Genome position (GRCh38, 1-based): chr20:17,659,368, T>C on the plus strand (A>G on the coding strand, the complement: RRBP1 is on the minus strand). VCF-style: chr20-17659368-T-C. GRCh37 (hg19) VCF-style: chr20-17640013-T-C.
Other names: c.528+612A>G (NM_004587.3, NM_001042576.2).
Identifiers: ClinVar variation 2652217 (VCV002652217.24), dbSNP rs201048785, ClinGen allele CA9773945.
Genomic context (GRCh38, chr20:17,659,368, plus strand): 5'-CTTGCCCTGGTTCTGGGCCCCTTCTACTTTTTTGCCCTGGTTCTGAGCCCCCTCGGCCTT[T>C]TTGCCCTGGTTCTGAGCCCCCTCAGCCTTCTTGCCCTGATTCTGGGCCCCCTCGGCCTTC-3'
Protein context (NP_001352542.1, residues 370-390): KKAEGAQNQG[Lys380=]KAEGAQNQGK